The following is an entry in ClinVar:

ClinVar aggregate classification (germline): Uncertain significance (1 of 4 stars; one submission).

Allele frequency attached by ClinVar (database versions not stated): gnomAD exomes below 0.00001.
gnomAD v4.1: 4 of 1,614,018 alleles (0.00025%); highest among the groups gnomAD compares: Non-Finnish European, 0.00034%; no homozygotes.

Submission:

Labcorp Genetics (formerly Invitae), Labcorp
Classification: Uncertain significance. Last evaluated: 2023-08-04. Review status: criteria provided, single submitter. Criteria: Invitae Variant Classification Sherloc (09022015). Collection method: clinical testing. Allele origin: germline.
Comment: Advanced modeling of protein sequence and biophysical properties (such as structural, functional, and spatial information, amino acid conservation, physicochemical variation, residue mobility, and thermodynamic stability) performed at Invitae indicates that this missense variant is expected to disrupt POLR1A protein function. This variant has not been reported in the literature in individuals affected with POLR1A-related conditions. This variant is not present in population databases (gnomAD no frequency). This sequence change replaces threonine, which is neutral and polar, with methionine, which is neutral and non-polar, at codon 325 of the POLR1A protein (p.Thr325Met). In summary, the available evidence is currently insufficient to determine the role of this variant in disease. Therefore, it has been classified as a Variant of Uncertain Significance.

NM_015425.6(POLR1A):c.974C>T (p.Thr325Met)

Gene: POLR1A (RNA polymerase I subunit A; minus strand). Cytogenetic location: 2p11.2.
Variant type: single nucleotide variant.
Coding change: c.974C>T on transcript NM_015425.6 (MANE Select); coding-DNA position 974, C replaced by T.
Protein change: p.Thr325Met; replaces threonine 325 with methionine.
Molecular consequence: missense variant.
Genome position (GRCh38, 1-based): chr2:86,080,928, G>A on the plus strand (C>T on the coding strand, the complement: POLR1A is on the minus strand). VCF-style: chr2-86080928-G-A. GRCh37 (hg19) VCF-style: chr2-86308051-G-A.
Other names: short protein forms T325M.
Identifiers: ClinVar variation 3009095 (VCV003009095.3), dbSNP rs1673388559, ClinGen allele CA347553584.